The following is an entry in ClinVar:

ClinVar aggregate classification (germline): Benign. Review status: criteria provided, single submitter (1 of 4 stars). 2 submissions from 2 submitters: Benign (1). 1 of the submissions does not count toward it. Last evaluated 2024-05-16.

Conditions:
AQP1-related disorder. Also called: AQP1-related condition.

Allele frequency attached by ClinVar (database versions not stated): gnomAD exomes 0.00011; ExAC 0.00024; ESP Exome Variant Server 0.00054; gnomAD 0.00082; TOPMed 0.00089; 1000 Genomes Project 0.00120; 1000 Genomes Project 30x 0.00172.
gnomAD v4.1: 310 of 1,614,004 alleles (0.019%); highest among the groups gnomAD compares: African/African-American, 0.27%; 2 homozygotes.

Submissions (2):

Labcorp Genetics (formerly Invitae), Labcorp
Classification: Benign. Last evaluated: 2024-05-16. Review status: criteria provided, single submitter. Criteria: Invitae Variant Classification Sherloc (09022015). Collection method: clinical testing. Allele origin: germline.

PreventionGenetics, part of Exact Sciences
Classification: Likely benign for AQP1-related condition. Last evaluated: 2019-10-28. Review status: no assertion criteria provided. Collection method: clinical testing. Allele origin: germline. Not counted in ClinVar's aggregate classification.
Comment: This variant is classified as likely benign based on ACMG/AMP sequence variant interpretation guidelines (Richards et al. 2015 PMID: 25741868, with internal and published modifications).

NM_198098.4(AQP1):c.456C>T (p.Cys152=)

Gene: AQP1 (aquaporin 1 (Colton blood group); plus strand). Cytogenetic location: 7p14.3.
Variant type: single nucleotide variant.
Coding change: c.456C>T on transcript NM_198098.4 (MANE Select); coding-DNA position 456, C replaced by T.
Protein change: p.Cys152=; no amino-acid change (cysteine 152 retained).
Molecular consequence: synonymous variant.
Genome position (GRCh38, 1-based): chr7:30,922,137, C>T. VCF-style: chr7-30922137-C-T. GRCh37 (hg19) VCF-style: chr7-30961752-C-T.
Other names: c.456C>T, p.Cys152= (NM_001329872.2).
Identifiers: ClinVar variation 2698447 (VCV002698447.5), dbSNP rs28362730, ClinGen allele CA4208169.
Genomic context (GRCh38, chr7:30,922,137, plus strand): 5'-TGTGAACTCGGGCCAGGGCCTGGGCATCGAGATCATCGGGACCCTCCAGCTGGTGCTATG[C>T]GTGCTGGCTACTACCGACCGGAGGCGCCGTGACCTTGGTGGCTCAGCCCCCCTTGCCATC-3'
Protein context (NP_932766.1, residues 142-162): EIIGTLQLVL[Cys152=]VLATTDRRRR